The following is an entry in ClinVar:

ClinVar aggregate classification (germline): Uncertain significance (1 of 4 stars; one submission).

Conditions:
Frontotemporal dementia and/or amyotrophic lateral sclerosis 1 (FTDALS1). Also called: Frontotemporal dementia with motor neuron disease 1; C9orf72 Frontotemporal Dementia and/or Amyotrophic Lateral Sclerosis. Identifiers: Orphanet 275872, MedGen C5779877, MONDO:0007105, OMIM 105550.
Paget disease of bone 2, early-onset (PDB2). Also called: Paget disease of bone 2. Identifiers: MedGen C4085251, MONDO:0011183, OMIM 602080.

Allele frequency attached by ClinVar (database versions not stated): gnomAD exomes 0.00001 and 0.00002; ExAC 0.00004.
gnomAD v4.1: 8 of 1,613,958 alleles (0.0005%); highest among the groups gnomAD compares: East Asian, 0.018%; no homozygotes.

Submission:

Labcorp Genetics (formerly Invitae), Labcorp
Classification: Uncertain significance for Paget disease of bone 2, early-onset; Frontotemporal dementia and/or amyotrophic lateral sclerosis 1. Last evaluated: 2024-10-24. Review status: criteria provided, single submitter. Criteria: Invitae Variant Classification Sherloc (09022015). Collection method: clinical testing. Allele origin: germline.
Comment: This sequence change replaces serine, which is neutral and polar, with cysteine, which is neutral and slightly polar, at codon 243 of the SQSTM1 protein (p.Ser243Cys). This variant is present in population databases (rs769873457, gnomAD 0.03%). This missense change has been observed in individual(s) with amyotrophic lateral sclerosis (PMID: 26601740). ClinVar contains an entry for this variant (Variation ID: 1366520). Invitae Evidence Modeling of protein sequence and biophysical properties (such as structural, functional, and spatial information, amino acid conservation, physicochemical variation, residue mobility, and thermodynamic stability) indicates that this missense variant is expected to disrupt SQSTM1 protein function with a positive predictive value of 80%. In summary, the available evidence is currently insufficient to determine the role of this variant in disease. Therefore, it has been classified as a Variant of Uncertain Significance.

Literature cited by the submitters: PubMed 26601740.

NM_003900.5(SQSTM1):c.727A>T (p.Ser243Cys)

Gene: SQSTM1 (sequestosome 1; plus strand). Cytogenetic location: 5q35.3.
Variant type: single nucleotide variant.
Coding change: c.727A>T on transcript NM_003900.5 (MANE Select); coding-DNA position 727, A replaced by T.
Protein change: p.Ser243Cys; replaces serine 243 with cysteine.
Molecular consequence: missense variant.
Genome position (GRCh38, 1-based): chr5:179,825,199, A>T. VCF-style: chr5-179825199-A-T. GRCh37 (hg19) VCF-style: chr5-179252199-A-T.
Other names: c.475A>T, p.Ser159Cys (NM_001142298.2, NM_001142299.2); short protein forms S159C, S243C.
Identifiers: ClinVar variation 1366520 (VCV001366520.8), dbSNP rs769873457, ClinGen allele CA3600630.
Genomic context (GRCh38, chr5:179,825,199, plus strand): 5'-ATCAAAGCTTCTGGTCCATCGGAGGATCCGAGTGTGAATTTCCTGAAGAACGTTGGGGAG[A>T]GTGTGGCAGCTGCCCTTAGCCCTCTGGGTGAGTGCACCTCCTTGCCCAGTGCTTCCCTAA-3'
Protein context (NP_003891.1, residues 233-253): SVNFLKNVGE[Ser243Cys]VAAALSPLGI